The following is an entry in ClinVar:

ClinVar aggregate classification (germline): Pathogenic. Review status: criteria provided, multiple submitters, no conflicts (2 of 4 stars). 5 submissions from 5 submitters: Pathogenic (5). Last evaluated 2026-07-01.

Conditions:
Glycogen storage disease, type II (IOPD). Also called: CARDIOMEGALIA GLYCOGENICA DIFFUSA; GLYCOGENOSIS, GENERALIZED, CARDIAC FORM; GSD II; Glycogen storage disease type 2; Acid maltase deficiency disease; Aglucosidase alfa. Identifiers: Orphanet 365, MedGen C0017921, MONDO:0009290, OMIM 232300.

Allele frequency attached by ClinVar (database versions not stated): gnomAD exomes below 0.00001.
gnomAD v4.1: 1 of 1,611,050 alleles (0.000062%); highest among the groups gnomAD compares: Admixed American, 0.0017%; no homozygotes.

Submissions (5):

Genomenon, Inc
Classification: Pathogenic for Glycogen storage disease, type II. Last evaluated: 2026-07-01. Review status: criteria provided, single submitter. Criteria: Genomenon Sequence Variant Interpretation Standards - Updated. Collection method: curation. Allele origin: germline. Affected: yes.
Comment: GAA p.Trp618Ter (c.1853G>A) is a nonsense variant that introduces a premature stop codon at amino acid position 618 and is predicted to result in a truncated or absent protein product. This variant has been observed in at least one proband with a GAA-related disorder (PMID:30737479). It is absent or not present at a significant frequency in gnomAD. In conclusion, we classify GAA p.Trp618Ter (c.1853G>A) as a pathogenic variant.

Revvity Omics, Revvity
Classification: Pathogenic. Last evaluated: 2025-05-07. Review status: criteria provided, single submitter. Criteria: ACMG Guidelines, 2015. Collection method: clinical testing. Allele origin: germline.

Natera, Inc.
Classification: Pathogenic for Glycogen storage disease type II. Last evaluated: 2024-12-12. Review status: criteria provided, single submitter. Criteria: Natera Variant Classification Schema (03/2026). Collection method: clinical testing. Allele origin: germline.
Comment: The c.1853G>A variant in GAA is a nonsense variant predicted to introduce a stop codon at amino acid 618. This variant is expected to result in nonsense mediated decay, truncation, or a dysfunctional protein product. This variant is rare in the general population with a frequency below the threshold expected for the associated phenotype(s). This variant has been observed in one or more individuals affected with the associated recessive disease, as either homozygous or compound heterozygous with a second variant (PMID: 30737479). Given the available evidence, this variant is classified as Pathogenic.

Baylor Genetics
Classification: Pathogenic for Glycogen storage disease, type II. Last evaluated: 2023-04-16. Review status: criteria provided, single submitter. Criteria: ACMG Guidelines, 2015. Collection method: clinical testing. Allele origin: unknown.

Labcorp Genetics (formerly Invitae), Labcorp
Classification: Pathogenic for Glycogen storage disease, type II. Last evaluated: 2022-02-20. Review status: criteria provided, single submitter. Criteria: Invitae Variant Classification Sherloc (09022015). Collection method: clinical testing. Allele origin: germline.
Comment: For these reasons, this variant has been classified as Pathogenic. This premature translational stop signal has been observed in individual(s) with Pompe disease (PMID: 30737479). This variant is present in population databases (no rsID available, gnomAD 0.003%). This sequence change creates a premature translational stop signal (p.Trp618*) in the GAA gene. It is expected to result in an absent or disrupted protein product. Loss-of-function variants in GAA are known to be pathogenic (PMID: 18425781, 22252923).

Literature cited by the submitters: PubMed 30737479 (cited by 3 submitters); PubMed 18425781 (cited by Labcorp Genetics (formerly Invitae), Labcorp); PubMed 22252923 (cited by Labcorp Genetics (formerly Invitae), Labcorp).

NM_000152.5(GAA):c.1853G>A (p.Trp618Ter)

Gene: GAA (alpha glucosidase; plus strand). Cytogenetic location: 17q25.3.
Variant type: single nucleotide variant.
Coding change: c.1853G>A on transcript NM_000152.5 (MANE Select); coding-DNA position 1853, G replaced by A.
Protein change: p.Trp618Ter; replaces tryptophan 618 with a stop codon.
Molecular consequence: nonsense.
Genome position (GRCh38, 1-based): chr17:80,112,676, G>A. VCF-style: chr17-80112676-G-A. GRCh37 (hg19) VCF-style: chr17-78086475-G-A.
Other names: c.1853G>A (NM_000152.4); c.1853G>A, p.Trp618Ter (NM_001079803.3, NM_001079804.3, NM_001406741.1 and 1 more transcripts); short protein forms W618*.
Identifiers: ClinVar variation 2419146 (VCV002419146.11), dbSNP rs1384805011, ClinGen allele CA401369637.
Genomic context (GRCh38, chr17:80,112,676, plus strand): 5'-TCTCCCGCTCGACCTTTGCTGGCCACGGCCGATACGCCGGCCACTGGACGGGGGACGTGT[G>A]GAGCTCCTGGGAGCAGCTCGCCTCCTCCGTGCCAGGTGAGCTCCTACCAGGAGGGGCTGC-3'